The following is an entry in ClinVar:

NM_006563.5(KLF1):c.1001C>G (p.Thr334Arg)

Genes: KLF1 (KLF transcription factor 1; minus strand), LOC117125591 (CRISPRi-FlowFISH-validated PRDX2 and RAD23A regulatory element; plus strand). Cytogenetic location: 19p13.13.
Variant type: single nucleotide variant.
Coding change: c.1001C>G on transcript NM_006563.5 (MANE Select); coding-DNA position 1001, C replaced by G.
Protein change: p.Thr334Arg; replaces threonine 334 with arginine.
Molecular consequence: missense variant.
Genome position (GRCh38, 1-based): chr19:12,884,973, G>C on the plus strand (C>G on the coding strand, the complement: KLF1 is on the minus strand). VCF-style: chr19-12884973-G-C. GRCh37 (hg19) VCF-style: chr19-12995787-G-C.
Other names: short protein forms T334R.
Identifiers: ClinVar variation 100796 (VCV000100796.2), dbSNP rs483352841, ClinGen allele CA228971.
Genomic context (GRCh38, chr19:12,884,973, plus strand): 5'-AGGTGGTCAGAGCGCGAAAAAGCACGTGGGCAGAGCTGGCAGCGGAAGGGGCGCTGCCCC[G>C]TGTGTTTCCGGTAGTGGCGGGTCAGCTCGTCCGAGCGCGCGAATCTCCAGCCGCAGCCTT-3'
Protein context (NP_006554.1, residues 324-344): DELTRHYRKH[Thr334Arg]GQRPFRCQLC

ClinVar aggregate classification (germline): Likely pathogenic (0 of 4 stars; one submission).

Submission:

Department of Medical Genetics, Oslo University Hospital
Classification: Likely pathogenic. Review status: no assertion criteria provided. Collection method: not provided. Allele origin: unknown.
Comment: p.Thr334Arg
ClinVar note: Converted during submission from probable-pathogenic to Likely pathogenic.